The following is an entry in ClinVar:

ClinVar aggregate classification (germline): Pathogenic (1 of 4 stars; one submission).

Conditions:
Emery-Dreifuss muscular dystrophy 4, autosomal dominant (EDMD4). Also called: EMERY-DREIFUSS MUSCULAR DYSTROPHY 4 WITH VARIABLE FEATURES. Identifiers: Orphanet 261, MedGen C2751807, MONDO:0013071, OMIM 612998.
Autosomal recessive ataxia, Beauce type. Also called: SYNE1 Deficiency; Spinocerebellar ataxia, autosomal recessive 8; ATAXIA, RECESSIVE, OF BEAUCE; SYNE1-Related Autosomal Recessive Cerebellar Ataxia. Identifiers: Orphanet 88644, MedGen C1853116, MONDO:0012549, OMIM 610743.

Submission:

Labcorp Genetics (formerly Invitae), Labcorp
Classification: Pathogenic for Emery-Dreifuss muscular dystrophy 4, autosomal dominant; Autosomal recessive ataxia, Beauce type. Last evaluated: 2023-08-30. Review status: criteria provided, single submitter. Criteria: Invitae Variant Classification Sherloc (09022015). Collection method: clinical testing. Allele origin: germline.
Comment: This variant is not present in population databases (gnomAD no frequency). This variant has not been reported in the literature in individuals affected with SYNE1-related conditions. ClinVar contains an entry for this variant (Variation ID: 2118258). Algorithms developed to predict the effect of sequence changes on RNA splicing suggest that this variant may disrupt the consensus splice site. For these reasons, this variant has been classified as Pathogenic. This sequence change creates a premature translational stop signal (p.Gln6243*) in the SYNE1 gene. It is expected to result in an absent or disrupted protein product. Loss-of-function variants in SYNE1 are known to be pathogenic (PMID: 19542096, 24319099, 27086870).

Literature cited by the submitters: PubMed 19542096; PubMed 24319099; PubMed 27086870.

NM_182961.4(SYNE1):c.18940C>T (p.Gln6314Ter)

Gene: SYNE1 (spectrin repeat containing nuclear envelope protein 1; minus strand). Cytogenetic location: 6q25.2.
Variant type: single nucleotide variant.
Coding change: c.18940C>T on transcript NM_182961.4 (MANE Select); coding-DNA position 18940, C replaced by T.
Protein change: p.Gln6314Ter; replaces glutamine 6314 with a stop codon.
Molecular consequence: nonsense.
Genome position (GRCh38, 1-based): chr6:152,262,064, G>A on the plus strand (C>T on the coding strand, the complement: SYNE1 is on the minus strand). VCF-style: chr6-152262064-G-A. GRCh37 (hg19) VCF-style: chr6-152583199-G-A.
Other names: c.18727C>T, p.Gln6243Ter (NM_033071.5); short protein forms Q6314*, Q6243*.
Identifiers: ClinVar variation 2118258 (VCV002118258.4), dbSNP rs2551882028, ClinGen allele CA366089775.